The following is an entry in ClinVar:

NM_207122.2(EXT2):c.1465T>C (p.Trp489Arg)

Genes: EXT2 (exostosin glycosyltransferase 2; plus strand), LOC126861201 (MED14-independent group 3 enhancer GRCh37_chr11:44218806-44220005; plus strand). Cytogenetic location: 11p11.2.
Variant type: single nucleotide variant.
Coding change: c.1465T>C on transcript NM_207122.2 (MANE Select); coding-DNA position 1465, T replaced by C.
Protein change: p.Trp489Arg; replaces tryptophan 489 with arginine.
Molecular consequence: missense variant.
Genome position (GRCh38, 1-based): chr11:44,197,988, T>C. VCF-style: chr11-44197988-T-C. GRCh37 (hg19) VCF-style: chr11-44219538-T-C.
Other names: c.1564T>C, p.Trp522Arg (NM_000401.3); c.1495T>C, p.Trp499Arg (NM_001178083.3); c.1465T>C, p.Trp489Arg (NM_001389628.1, NM_001389630.1); short protein forms W489R, W499R, W522R.
Identifiers: ClinVar variation 1363572 (VCV001363572.8), dbSNP rs2135185580, ClinGen allele CA380179246.

ClinVar aggregate classification (germline): Uncertain significance (1 of 4 stars; one submission).

Conditions:
Exostoses, multiple, type 2 (EXT2). Also called: EXOSTOSES, MULTIPLE, TYPE II; Hereditary Multiple Osteochondromatosis, Type II. Identifiers: Orphanet 321, MedGen C1851413, MONDO:0007586, OMIM 133701.

gnomAD v4.1: 1 of 1,614,130 alleles (0.000062%); highest among the groups gnomAD compares: Non-Finnish European, 0.000085%; no homozygotes.

Submission:

Labcorp Genetics (formerly Invitae), Labcorp
Classification: Uncertain significance for Exostoses, multiple, type 2. Last evaluated: 2021-05-11. Review status: criteria provided, single submitter. Criteria: Invitae Variant Classification Sherloc (09022015). Collection method: clinical testing. Allele origin: germline.
Comment: In summary, the available evidence is currently insufficient to determine the role of this variant in disease. Therefore, it has been classified as a Variant of Uncertain Significance. This sequence change replaces tryptophan with arginine at codon 489 of the EXT2 protein (p.Trp489Arg). The tryptophan residue is highly conserved and there is a moderate physicochemical difference between tryptophan and arginine. This variant is not present in population databases (ExAC no frequency). This variant has not been reported in the literature in individuals with EXT2-related conditions. Algorithms developed to predict the effect of missense changes on protein structure and function are either unavailable or do not agree on the potential impact of this missense change (SIFT: "Deleterious"; PolyPhen-2: "Probably Damaging"; Align-GVGD: "Class C0").